The following is an entry in ClinVar:

NM_080732.4(EGLN2):c.1088C>T (p.Ala363Val)

Genes: EGLN2 (egl-9 family hypoxia inducible factor 2; plus strand), RAB4B-EGLN2 (RAB4B-EGLN2 readthrough (NMD candidate); plus strand). Cytogenetic location: 19q13.2.
Variant type: single nucleotide variant.
Coding change: c.1088C>T on transcript NM_080732.4 (MANE Select); coding-DNA position 1088, C replaced by T.
Protein change: p.Ala363Val; replaces alanine 363 with valine.
Molecular consequence: missense variant. On other transcripts: non-coding transcript variant (1).
Genome position (GRCh38, 1-based): chr19:40,807,262, C>T. VCF-style: chr19-40807262-C-T. GRCh37 (hg19) VCF-style: chr19-41313167-C-T.
Other names: c.1088C>T, p.Ala363Val (NM_053046.4); short protein forms A363V.
Identifiers: ClinVar variation 3228977 (VCV003228977.1), dbSNP rs2516008916, ClinGen allele CA405956657.
Genomic context (GRCh38, chr19:40,807,262, plus strand): 5'-TCTTTGACCGGTTGCTCATTTTCTGGTCTGACCGGCGGAACCCCCACGAGGTGAAGCCAG[C>T]CTATGCCACCAGGTATGACCTGTACTTCTGGAGACGCACCCAGGTGCTCCCCCTGTGACA-3'
Protein context (NP_542770.2, residues 353-373): DRRNPHEVKP[Ala363Val]YATRYAITVW

ClinVar aggregate classification (germline): Uncertain significance (1 of 4 stars; one submission).

Submission:

Ambry Genetics
Classification: Uncertain significance. Last evaluated: 2024-03-02. Review status: criteria provided, single submitter. Criteria: Ambry Variant Classification Scheme 2023. Collection method: clinical testing. Allele origin: germline.
Comment: The p.A363V variant (also known as c.1088C>T), located in coding exon 3 of the EGLN2 gene, results from a C to T substitution at nucleotide position 1088. The alanine at codon 363 is replaced by valine, an amino acid with similar properties. This amino acid position is conserved. In addition, the in silico prediction for this alteration is inconclusive. Based on the available evidence, the clinical significance of this alteration remains unclear.